The following is an entry in ClinVar:

NM_001308093.3(GATA4):c.67C>T (p.Pro23Ser)

Gene: GATA4 (GATA binding protein 4). Cytogenetic location: 8p23.1.
Variant type: single nucleotide variant.
Coding change: c.67C>T on transcript NM_001308093.3 (MANE Select); coding-DNA position 67, C replaced by T.
Protein change: p.Pro23Ser; replaces proline 23 with serine.
Molecular consequence: missense variant. On other transcripts: intron variant (3).
Genome position (GRCh38, 1-based): chr8:11,708,379, C>T. VCF-style: chr8-11708379-C-T. GRCh37 (hg19) VCF-style: chr8-11565888-C-T.
Other names: c.67C>T, p.Pro23Ser (NM_002052.5); c.-6+7601C>T (NM_001308094.2); c.-3+365C>T (NM_001374274.1); c.-3+4075C>T (NM_001374273.1); short protein forms P23S.
Identifiers: ClinVar variation 2909470 (VCV002909470.3), dbSNP rs954460490, ClinGen allele CA370308715.
Genomic context (GRCh38, chr8:11,708,379, plus strand): 5'-CAGAGCTTGGCCATGGCCGCCAACCACGGGCCGCCCCCCGGTGCCTACGAGGCGGGCGGC[C>T]CCGGCGCCTTCATGCACGGCGCGGGCGCCGCGTCCTCGCCAGTCTACGTGCCCACACCGC-3'
Protein context (NP_001295022.1, residues 13-33): PPPGAYEAGG[Pro23Ser]GAFMHGAGAA

ClinVar aggregate classification (germline): Uncertain significance (1 of 4 stars; one submission).

Conditions:
Atrioventricular septal defect 4 (AVSD4). Identifiers: MedGen C3280781, MONDO:0013747, OMIM 614430.

gnomAD v4.1: 3 of 1,555,358 alleles (0.00019%); highest among the groups gnomAD compares: South Asian, 0.0012%; no homozygotes.

Submission:

Labcorp Genetics (formerly Invitae), Labcorp
Classification: Uncertain significance for Atrioventricular septal defect 4. Last evaluated: 2023-10-25. Review status: criteria provided, single submitter. Criteria: Invitae Variant Classification Sherloc (09022015). Collection method: clinical testing. Allele origin: germline.
Comment: This sequence change replaces proline, which is neutral and non-polar, with serine, which is neutral and polar, at codon 23 of the GATA4 protein (p.Pro23Ser). This variant is present in population databases (no rsID available, gnomAD 0.002%). This variant has not been reported in the literature in individuals affected with GATA4-related conditions. An algorithm developed to predict the effect of missense changes on protein structure and function (PolyPhen-2) suggests that this variant is likely to be tolerated. In summary, the available evidence is currently insufficient to determine the role of this variant in disease. Therefore, it has been classified as a Variant of Uncertain Significance.